The following is an entry in ClinVar:

ClinVar aggregate classification (germline): Conflicting classifications of pathogenicity. Review status: criteria provided, conflicting classifications (1 of 4 stars). 3 submissions from 3 submitters: Likely pathogenic (2); Uncertain significance (1). Last evaluated 2023-08-30.

Conditions:
Myasthenic syndrome, congenital, 22 (CMS22). Also called: PREPL DEFICIENCY. Identifiers: MedGen C4479088, MONDO:0044299, OMIM 616224.

Allele frequency attached by ClinVar (database versions not stated): TOPMed below 0.00001; gnomAD 0.00002; ExAC 0.00010.
gnomAD v4.1: 62 of 1,612,638 alleles (0.0038%); highest among the groups gnomAD compares: South Asian, 0.064%; no homozygotes.

Submissions (3):

Revvity Omics, Revvity
Classification: Uncertain significance for Myasthenic syndrome, congenital, 22. Last evaluated: 2023-08-30. Review status: criteria provided, single submitter. Criteria: ACMG Guidelines, 2015. Collection method: clinical testing. Allele origin: germline.

Labcorp Genetics (formerly Invitae), Labcorp
Classification: Likely pathogenic for Myasthenic syndrome, congenital, 22. Last evaluated: 2023-05-20. Review status: criteria provided, single submitter. Criteria: Invitae Variant Classification Sherloc (09022015). Collection method: clinical testing. Allele origin: germline.
Comment: ClinVar contains an entry for this variant (Variation ID: 2180526). In summary, the currently available evidence indicates that the variant is pathogenic, but additional data are needed to prove that conclusively. Therefore, this variant has been classified as Likely Pathogenic. Algorithms developed to predict the effect of sequence changes on RNA splicing suggest that this variant may disrupt the consensus splice site. This variant has not been reported in the literature in individuals affected with PREPL-related conditions. This variant is present in population databases (rs113913634, gnomAD 0.05%). This sequence change affects a donor splice site in intron 12 of the PREPL gene. It is expected to disrupt RNA splicing. Variants that disrupt the donor or acceptor splice site typically lead to a loss of protein function (PMID: 16199547), and loss-of-function variants in PREPL are known to be pathogenic (PMID: 24610330, 28726805, 29913539).

Department of Pathology and Laboratory Medicine, Sinai Health System
Classification: Likely pathogenic for Myasthenic syndrome, congenital, 22. Last evaluated: 2023-05-01. Review status: criteria provided, single submitter. Criteria: ACMG Guidelines, 2015. Collection method: research. Allele origin: germline.

Literature cited by the submitters: PubMed 16199547 (cited by Labcorp Genetics (formerly Invitae), Labcorp); PubMed 24610330 (cited by Labcorp Genetics (formerly Invitae), Labcorp); PubMed 28726805 (cited by Labcorp Genetics (formerly Invitae), Labcorp); PubMed 29913539 (cited by Labcorp Genetics (formerly Invitae), Labcorp).

NM_001171613.2(PREPL):c.1753+2T>C

Gene: PREPL (prolyl endopeptidase like; minus strand). Cytogenetic location: 2p21.
Variant type: single nucleotide variant.
Coding change: c.1753+2T>C on transcript NM_001171613.2 (MANE Select); the canonical splice donor site of the intron after coding-DNA position 1753, T replaced by C.
Molecular consequence: splice donor variant.
Genome position (GRCh38, 1-based): chr2:44,322,729, A>G on the plus strand (T>C on the coding strand, the complement: PREPL is on the minus strand). VCF-style: chr2-44322729-A-G. GRCh37 (hg19) VCF-style: chr2-44549868-A-G.
Other names: c.1753+2T>C (NM_001171617.1, NM_001374277.1); c.2020+2T>C (NM_001171603.1, NM_001374275.1, NM_001374276.1 and 2 more transcripts); c.1834+2T>C (NM_001042385.2); c.1822+2T>C (NM_001042386.2).
Identifiers: ClinVar variation 2180526 (VCV002180526.6), dbSNP rs113913634, ClinGen allele CA1640978.